The following is an entry in ClinVar:

ClinVar aggregate classification (germline): Pathogenic (1 of 4 stars; one submission).

Conditions:
Intellectual disability, X-linked, with or without seizures, ARX-related. Also called: INTELLECTUAL DEVELOPMENTAL DISORDER, X-LINKED 29; Mental retardation, X-linked 52; MENTAL RETARDATION, X-LINKED 29; MENTAL RETARDATION, X-LINKED 32; MENTAL RETARDATION, X-LINKED 33; MENTAL RETARDATION, X-LINKED 38. Identifiers: Orphanet 777, MedGen C0796244, MONDO:0010317, OMIM 300419.

Submission:

Myriad Genetics, Inc.
Classification: Pathogenic for Intellectual disability, X-linked, with or without seizures, ARX-related. Last evaluated: 2025-07-07. Review status: criteria provided, single submitter. Criteria: Myriad Autosomal Dominant, Autosomal Recessive and X-Linked Classification Criteria (2023). Collection method: clinical testing. Allele origin: unknown.
Comment: NM_139058.2(ARX):c.48C>A(C16*) is a nonsense variant classified as pathogenic in the context of ARX-related disorders. C16* has not been observed in cases with relevant disease. Relevant functional assessments of this variant are not available in the literature. C16* has not been observed in referenced population frequency databases. In summary, NM_139058.2(ARX):c.48C>A(C16*) is a nonsense variant in a gene where loss of function is a known mechanism of disease and is predicted to disrupt protein function. Please note: this variant was assessed in the context of healthy population screening.

NM_139058.3(ARX):c.48C>A (p.Cys16Ter)

Gene: ARX (aristaless related homeobox; minus strand). Cytogenetic location: Xp21.3.
Variant type: single nucleotide variant.
Coding change: c.48C>A on transcript NM_139058.3 (MANE Select); coding-DNA position 48, C replaced by A.
Protein change: p.Cys16Ter; replaces cysteine 16 with a stop codon.
Molecular consequence: nonsense.
Genome position (GRCh38, 1-based): chrX:25,015,690, G>T on the plus strand (C>A on the coding strand, the complement: ARX is on the minus strand). VCF-style: chrX-25015690-G-T. GRCh37 (hg19) VCF-style: chrX-25033807-G-T.
Other names: short protein forms C16*.
Identifiers: ClinVar variation 4081765 (VCV004081765.1).